The following is an entry in ClinVar:

NM_002474.3(MYH11):c.301G>A (p.Val101Met)

Gene: MYH11 (myosin heavy chain 11; minus strand). Cytogenetic location: 16p13.11.
Variant type: single nucleotide variant.
Coding change: c.301G>A on transcript NM_002474.3 (MANE Select); coding-DNA position 301, G replaced by A.
Protein change: p.Val101Met; replaces valine 101 with methionine.
Molecular consequence: missense variant.
Genome position (GRCh38, 1-based): chr16:15,837,952, C>T on the plus strand (G>A on the coding strand, the complement: MYH11 is on the minus strand). VCF-style: chr16-15837952-C-T. GRCh37 (hg19) VCF-style: chr16-15931809-C-T.
Other names: p.V101M:GTG>ATG; c.301G>A, p.Val101Met (NM_001040113.2, NM_001040114.2, NM_022844.3); short protein forms V101M.
Identifiers: ClinVar variation 201097 (VCV000201097.47), dbSNP rs375159635, ClinGen allele CA306634.
Genomic context (GRCh38, chr16:15,837,952, plus strand): 5'-TGCCTGCAATACTCACATATATTAGCCCTGAGAAGTACCGCTCCCTCAGGTTGTGTAGCA[C>T]GGAGGCTTCGTTGAGGCACGTCAGCTCCGCCATGTCCTCCACCTTGGAGAACTTGGGTGG-3'
Protein context (NP_002465.1, residues 91-111): AELTCLNEAS[Val101Met]LHNLRERYFS

ClinVar aggregate classification (germline): Uncertain significance. Review status: criteria provided, multiple submitters, no conflicts (2 of 4 stars). 9 submissions from 9 submitters: Uncertain significance (9). Last evaluated 2026-06-15.

Conditions:
Familial thoracic aortic aneurysm and aortic dissection (TAAD). Also called: Thoracic aortic aneurysms and dissections. Identifiers: Orphanet 91387, MedGen C4707243, MONDO:0019625.
Aortic aneurysm, familial thoracic 4 (AAT4). Also called: AORTIC ANEURYSM/AORTIC DISSECTION AND PATENT DUCTUS ARTERIOSUS. Identifiers: MedGen C1851504, MONDO:0007568, OMIM 132900.

Allele frequency attached by ClinVar (database versions not stated): ExAC 0.00003; gnomAD exomes 0.00003; gnomAD 0.00004; TOPMed 0.00006; ESP Exome Variant Server 0.00008.
gnomAD v4.1: 46 of 1,614,024 alleles (0.0029%); highest among the groups gnomAD compares: South Asian, 0.0044%; no homozygotes.

Submissions (9):

Women's Health and Genetics/Laboratory Corporation of America, LabCorp
Classification: Uncertain significance. Last evaluated: 2026-06-15. Review status: criteria provided, single submitter. Criteria: LabCorp Variant Classification Summary - May 2015. Collection method: clinical testing. Allele origin: germline.
Comment: Variant summary: MYH11 c.301G>A (p.Val101Met) results in a conservative amino acid change in the encoded protein sequence. Algorithms developed to predict the effect of missense changes on protein structure and function are either unavailable or do not agree on the potential impact of this missense change. The variant allele was found at a frequency of 3.2e-05 in 251462 control chromosomes. The available data on variant occurrences in the general population are insufficient to allow any conclusion about variant significance. c.301G>A has been observed in individuals affected with MYH11-related conditions (Wang_2022, internal data). These data do not allow any conclusion about variant significance. To our knowledge, no experimental evidence demonstrating an impact on protein function has been reported. The following publication has been ascertained in the context of this evaluation (PMID: 36103205). ClinVar contains an entry for this variant (Variation ID: 201097). Based on the evidence outlined above, the variant was classified as uncertain significance.

All of Us Research Program, National Institutes of Health
Classification: Uncertain significance for Familial thoracic aortic aneurysm and aortic dissection. Last evaluated: 2024-07-29. Review status: criteria provided, single submitter. Criteria: ACMG Guidelines, 2015. Collection method: clinical testing. Allele origin: germline. Inheritance: Autosomal dominant inheritance. Observed: 18 variant alleles, 18 heterozygotes.
Comment: This missense variant replaces valine with methionine at codon 101 of the MYH11 protein. Computational prediction suggests that this variant may have deleterious impact on protein structure and function (internally defined REVEL score threshold >= 0.7, PMID: 27666373). To our knowledge, functional studies have not been reported for this variant. This variant has not been reported in individuals affected with cardiovascular disorders in the literature. This variant has been identified in 8/251462 chromosomes in the general population by the Genome Aggregation Database (gnomAD). The available evidence is insufficient to determine the role of this variant in disease conclusively. Therefore, this variant is classified as a Variant of Uncertain Significance.

This study involves interpretation of variants in research participants for the purpose of population health screening. Participant phenotype was not available at the time of variant classification. Additional details can be found in publication PMID: 35346344, PMCID: PMC8962531

ARUP Laboratories, Molecular Genetics and Genomics, ARUP Laboratories
Classification: Uncertain significance. Last evaluated: 2024-04-03. Review status: criteria provided, single submitter. Criteria: ARUP Molecular Germline Variant Investigation Process 2024. Collection method: clinical testing. Allele origin: germline.
Comment: The MYH11 c.301G>A, p.Val101Met variant (rs375159635), to our knowledge, is not reported in the medical literature but is reported in ClinVar (Variation ID: 201097). This variant is found in the general population with an allele frequency of 0.0032% (8/251,462 alleles) in the Genome Aggregation Database (v2.1.1). Computational analyses predict that this variant is deleterious (REVEL: 0.825). However, given the lack of clinical and functional data, the significance of this variant is uncertain at this time.

Color Diagnostics, LLC DBA Color Health
Classification: Uncertain significance for Familial thoracic aortic aneurysm and aortic dissection. Last evaluated: 2024-03-05. Review status: criteria provided, single submitter. Criteria: ACMG Guidelines, 2015. Collection method: clinical testing. Allele origin: germline.
Comment: This missense variant replaces valine with methionine at codon 101 of the MYH11 protein. Computational prediction tools indicate that this variant has a deleterious impact on protein structure and function. To our knowledge, functional studies have not been reported for this variant. This variant has been reported in one individual affected with spontaneous coronary artery dissection (PMID: 36103205). This variant has been identified in 8/251462 chromosomes in the general population by the Genome Aggregation Database (gnomAD). The available evidence is insufficient to determine the role of this variant in disease conclusively. Therefore, this variant is classified as a Variant of Uncertain Significance.

CeGaT Center for Human Genetics Tuebingen
Classification: Uncertain significance. Last evaluated: 2024-03-01. Review status: criteria provided, single submitter. Criteria: CeGaT Center For Human Genetics Tuebingen Variant Classification Criteria Version 2. Collection method: clinical testing. Allele origin: germline. Affected: yes. Observed: 2 variant alleles.
Comment: MYH11: PP3

Labcorp Genetics (formerly Invitae), Labcorp
Classification: Uncertain significance for Aortic aneurysm, familial thoracic 4. Last evaluated: 2023-12-27. Review status: criteria provided, single submitter. Criteria: Invitae Variant Classification Sherloc (09022015). Collection method: clinical testing. Allele origin: germline.
Comment: This sequence change replaces valine, which is neutral and non-polar, with methionine, which is neutral and non-polar, at codon 101 of the MYH11 protein (p.Val101Met). This variant is present in population databases (rs375159635, gnomAD 0.01%). This missense change has been observed in individual(s) with clinical features of MYH11-related conditions (Invitae). ClinVar contains an entry for this variant (Variation ID: 201097). Advanced modeling of protein sequence and biophysical properties (such as structural, functional, and spatial information, amino acid conservation, physicochemical variation, residue mobility, and thermodynamic stability) has been performed at Invitae for this missense variant, however the output from this modeling did not meet the statistical confidence thresholds required to predict the impact of this variant on MYH11 protein function. In summary, the available evidence is currently insufficient to determine the role of this variant in disease. Therefore, it has been classified as a Variant of Uncertain Significance.

GeneDx
Classification: Uncertain significance. Last evaluated: 2023-08-11. Review status: criteria provided, single submitter. Criteria: GeneDx Variant Classification Process June 2021. Collection method: clinical testing. Allele origin: germline. Affected: yes.
Comment: Has not been previously published as pathogenic or benign to our knowledge; In silico analysis supports that this missense variant does not alter protein structure/function

Ambry Genetics
Classification: Uncertain significance for Familial thoracic aortic aneurysm and aortic dissection. Last evaluated: 2022-04-06. Review status: criteria provided, single submitter. Criteria: Ambry Variant Classification Scheme 2023. Collection method: clinical testing. Allele origin: germline.
Comment: The p.V101M variant (also known as c.301G>A), located in coding exon 1 of the MYH11 gene, results from a G to A substitution at nucleotide position 301. The valine at codon 101 is replaced by methionine, an amino acid with highly similar properties. This amino acid position is highly conserved in available vertebrate species. In addition, this alteration is predicted to be deleterious by in silico analysis. Since supporting evidence is limited at this time, the clinical significance of this alteration remains unclear.

Illumina Laboratory Services, Illumina
Classification: Uncertain significance for Aortic aneurysm, familial thoracic 4. Last evaluated: 2017-04-28. Review status: criteria provided, single submitter. Criteria: ICSL Variant Classification Criteria 13 December 2019. Collection method: clinical testing. Allele origin: germline.

Literature cited by the submitters: PubMed 36103205 (cited by Women's Health and Genetics/Laboratory Corporation of America, LabCorp and Color Diagnostics, LLC DBA Color Health).